The following is an entry in ClinVar:

NM_002439.5(MSH3):c.470A>G (p.Gln157Arg)

Gene: MSH3 (mutS homolog 3; plus strand). Cytogenetic location: 5q14.1.
Variant type: single nucleotide variant.
Coding change: c.470A>G on transcript NM_002439.5 (MANE Select); coding-DNA position 470, A replaced by G.
Protein change: p.Gln157Arg; replaces glutamine 157 with arginine.
Molecular consequence: missense variant.
Genome position (GRCh38, 1-based): chr5:80,665,254, A>G. VCF-style: chr5-80665254-A-G. GRCh37 (hg19) VCF-style: chr5-79961073-A-G.
Other names: short protein forms Q157R.
Identifiers: ClinVar variation 647586 (VCV000647586.17), dbSNP rs1348473206, ClinGen allele CA360263653.

ClinVar aggregate classification (germline): Conflicting classifications of pathogenicity. Review status: criteria provided, conflicting classifications (1 of 4 stars). 4 submissions from 4 submitters: Uncertain significance (3); Likely benign (1). Last evaluated 2025-12-10.

Conditions:
Hereditary cancer-predisposing syndrome. Also called: Neoplastic Syndromes, Hereditary; Tumor predisposition; Hereditary neoplastic syndrome; Hereditary Cancer Syndrome. Identifiers: Orphanet 140162, MedGen C0027672, MeSH D009386, MONDO:0015356.
MSH3-related disorder. Also called: MSH3-related condition.

Allele frequency attached by ClinVar (database versions not stated): gnomAD exomes below 0.00001; TOPMed 0.00001; gnomAD 0.00003.
gnomAD v4.1: 8 of 1,613,350 alleles (0.0005%); highest among the groups gnomAD compares: Admixed American, 0.01%; no homozygotes.

Submissions (4):

Labcorp Genetics (formerly Invitae), Labcorp
Classification: Uncertain significance. Last evaluated: 2025-12-10. Review status: criteria provided, single submitter. Criteria: Invitae Variant Classification Sherloc (09022015). Collection method: clinical testing. Allele origin: germline.
Comment: This sequence change replaces glutamine, which is neutral and polar, with arginine, which is basic and polar, at codon 157 of the MSH3 protein (p.Gln157Arg). This variant is not present in population databases (gnomAD no frequency). This variant has not been reported in the literature in individuals affected with MSH3-related conditions. ClinVar contains an entry for this variant (Variation ID: 647586). An algorithm developed to predict the effect of missense changes on protein structure and function outputs the following: PolyPhen-2: "Benign". The arginine amino acid residue is found in multiple mammalian species, which suggests that this missense change does not adversely affect protein function. In summary, the available evidence is currently insufficient to determine the role of this variant in disease. Therefore, it has been classified as a Variant of Uncertain Significance.

PreventionGenetics, part of Exact Sciences
Classification: Uncertain significance for MSH3-related condition. Last evaluated: 2025-07-02. Review status: criteria provided, single submitter. Criteria: ACMG Guidelines, 2015. Collection method: clinical testing. Allele origin: germline.
Comment: The MSH3 c.470A>G variant is predicted to result in the amino acid substitution p.Gln157Arg. To our knowledge, this variant has not been reported in the literature or in a large population database (gnomAD), indicating this variant is rare. This variant has conflicting interpretations of pathogenicity in ClinVar ranging from uncertain to likely benign. At this time, the clinical significance of this variant is uncertain due to the absence of conclusive functional and genetic evidence.

Ambry Genetics
Classification: Likely benign for Hereditary cancer-predisposing syndrome. Last evaluated: 2024-08-01. Review status: criteria provided, single submitter. Criteria: Ambry Variant Classification Scheme 2023. Collection method: clinical testing. Allele origin: germline.

Sema4
Classification: Uncertain significance for Hereditary cancer-predisposing syndrome. Last evaluated: 2021-07-27. Review status: criteria provided, single submitter. Criteria: Sema4 Curation Guidelines. Collection method: curation. Allele origin: germline.
Comment: The MSH3 c.470A>G (p.Q157R) variant has not been reported in the literature to our knowledge. It was not observed in the large and broad cohorts of the Genome Aggregation Database. The variant has been reported in ClinVar (Variation ID 647586). Functional studies have not been performed, and in silico predictions of the variant's effect on protein function are inconclusive. The evidence is insufficient to meet ACMG/AMP criteria for classifying the variant as benign or pathogenic. Thus, the clinical significance of this variant is currently uncertain.